The following is an entry in ClinVar:

ClinVar aggregate classification (germline): Pathogenic (1 of 4 stars; one submission).

Submission:

GeneDx
Classification: Pathogenic. Last evaluated: 2026-03-24. Review status: criteria provided, single submitter. Criteria: GeneDx Variant Classification Process June 2021. Collection method: clinical testing. Allele origin: germline.
Comment: Nonsense variant predicted to result in protein truncation or nonsense mediated decay in a gene for which loss of function is a known mechanism of disease; Not observed at significant frequency in large population cohorts (gnomAD); Has not been previously published as pathogenic or benign to our knowledge

NM_004429.5(EFNB1):c.580C>T (p.Gln194Ter)

Gene: EFNB1 (ephrin B1; plus strand). Cytogenetic location: Xq13.1.
Variant type: single nucleotide variant.
Coding change: c.580C>T on transcript NM_004429.5 (MANE Select); coding-DNA position 580, C replaced by T.
Protein change: p.Gln194Ter; replaces glutamine 194 with a stop codon.
Molecular consequence: nonsense.
Genome position (GRCh38, 1-based): chrX:68,840,040, C>T. VCF-style: chrX-68840040-C-T. GRCh37 (hg19) VCF-style: chrX-68059883-C-T.
Other names: short protein forms Q194*.
Identifiers: ClinVar variation 5016743 (VCV005016743.1).